The following is an entry in ClinVar:

NM_001042432.2(CLN3):c.433T>C (p.Ser145Pro)

Gene: CLN3 (CLN3 lysosomal/endosomal transmembrane protein, battenin; minus strand). Cytogenetic location: 16p12.1.
Variant type: single nucleotide variant.
Coding change: c.433T>C on transcript NM_001042432.2 (MANE Select); coding-DNA position 433, T replaced by C.
Protein change: p.Ser145Pro; replaces serine 145 with proline.
Molecular consequence: missense variant.
Genome position (GRCh38, 1-based): chr16:28,487,483, A>G on the plus strand (T>C on the coding strand, the complement: CLN3 is on the minus strand). VCF-style: chr16-28487483-A-G. GRCh37 (hg19) VCF-style: chr16-28498804-A-G.
Other names: c.433T>C, p.Ser145Pro (NM_000086.2); c.361T>C, p.Ser121Pro (NM_001286104.2); c.133T>C, p.Ser45Pro (NM_001286105.2); c.199T>C, p.Ser67Pro (NM_001286109.2); c.271T>C, p.Ser91Pro (NM_001286110.2); short protein forms S121P, S67P, S91P, S45P, S145P.
Identifiers: ClinVar variation 1447440 (VCV001447440.6), dbSNP rs780814580, ClinGen allele CA7980930.

ClinVar aggregate classification (germline): Uncertain significance. Review status: criteria provided, multiple submitters, no conflicts (2 of 4 stars). 2 submissions from 2 submitters: Uncertain significance (2). Last evaluated 2024-03-03.

Conditions:
Neuronal ceroid lipofuscinosis. Also called: Neuronal Ceroid Lipofuscinoses. Identifiers: Orphanet 216, Orphanet 79263, MedGen C0027877, MONDO:0016295. Disease mechanism: loss of function.

Allele frequency attached by ClinVar (database versions not stated): gnomAD exomes below 0.00001 and 0.00001; ExAC 0.00001.
gnomAD v4.1: 4 of 1,613,976 alleles (0.00025%); highest among the groups gnomAD compares: Non-Finnish European, 0.00034%; no homozygotes.

Submissions (2):

Blueprint Genetics
Classification: Uncertain significance. Last evaluated: 2024-03-03. Review status: criteria provided, single submitter. Criteria: ACMG Guidelines, 2015. Collection method: clinical testing. Allele origin: germline.

Labcorp Genetics (formerly Invitae), Labcorp
Classification: Uncertain significance for Neuronal ceroid lipofuscinosis. Last evaluated: 2021-09-17. Review status: criteria provided, single submitter. Criteria: Invitae Variant Classification Sherloc (09022015). Collection method: clinical testing. Allele origin: germline.
Comment: This sequence change replaces serine with proline at codon 145 of the CLN3 protein (p.Ser145Pro). The serine residue is highly conserved and there is a moderate physicochemical difference between serine and proline. This variant is present in population databases (rs780814580, ExAC 0.002%). This variant has not been reported in the literature in individuals with CLN3-related conditions. Algorithms developed to predict the effect of missense changes on protein structure and function are either unavailable or do not agree on the potential impact of this missense change (SIFT: "Deleterious"; PolyPhen-2: "Probably Damaging"; Align-GVGD: "Class C0"). In summary, the available evidence is currently insufficient to determine the role of this variant in disease. Therefore, it has been classified as a Variant of Uncertain Significance.